The following is an entry in ClinVar:

ClinVar aggregate classification (germline): Benign/Likely benign. Review status: criteria provided, multiple submitters, no conflicts (2 of 4 stars). 3 submissions from 3 submitters: Benign (2); Likely benign (1). Last evaluated 2026-08-01.

Allele frequency attached by ClinVar (database versions not stated): 1000 Genomes Project 0.00200; 1000 Genomes Project 30x 0.00234; TOPMed 0.00384; gnomAD 0.00388 and 0.00406; ESP Exome Variant Server 0.00392; gnomAD exomes 0.00395; ExAC 0.00419.
gnomAD v4.1: 9,192 of 1,613,834 alleles (0.57%); highest among the groups gnomAD compares: Non-Finnish European, 0.7%; 25 homozygotes.

Submissions (3):

CeGaT Center for Human Genetics Tuebingen
Classification: Likely benign. Last evaluated: 2026-08-01. Review status: criteria provided, single submitter. Criteria: CeGaT Center For Human Genetics Tuebingen Variant Classification Criteria Version 2. Collection method: clinical testing. Allele origin: germline. Affected: yes. Observed: 2 variant alleles.
Comment: SLCO5A1: BS2

Labcorp Genetics (formerly Invitae), Labcorp
Classification: Benign. Last evaluated: 2026-01-23. Review status: criteria provided, single submitter. Criteria: Invitae Variant Classification Sherloc (09022015). Collection method: clinical testing. Allele origin: germline.

Breakthrough Genomics
Classification: Benign. Review status: criteria provided, single submitter. Criteria: ACMG Guidelines, 2015. Collection method: not provided. Allele origin: germline. Inheritance: Unknown mechanism. Affected: yes.

NM_030958.3(SLCO5A1):c.1124G>A (p.Arg375Gln)

Gene: SLCO5A1 (solute carrier organic anion transporter family member 5A1; minus strand). Cytogenetic location: 8q13.3.
Variant type: single nucleotide variant.
Coding change: c.1124G>A on transcript NM_030958.3 (MANE Select); coding-DNA position 1124, G replaced by A.
Protein change: p.Arg375Gln; replaces arginine 375 with glutamine.
Molecular consequence: missense variant.
Genome position (GRCh38, 1-based): chr8:69,755,558, C>T on the plus strand (G>A on the coding strand, the complement: SLCO5A1 is on the minus strand). VCF-style: chr8-69755558-C-T. GRCh37 (hg19) VCF-style: chr8-70667793-C-T.
Other names: c.1124G>A, p.Arg375Gln (NM_001146008.2, NM_001146009.1); short protein forms R375Q.
Identifiers: ClinVar variation 1595205 (VCV001595205.33), dbSNP rs149362749, ClinGen allele CA4776650.